The following is an entry in ClinVar:

ClinVar aggregate classification (germline): Uncertain significance. Review status: criteria provided, multiple submitters, no conflicts (2 of 4 stars). 2 submissions from 2 submitters: Uncertain significance (2). Last evaluated 2024-05-11.

Conditions:
CHARGE syndrome (CHARGE). Also called: Hittner Hirsch Kreh syndrome; CHARGE ASSOCIATION--COLOBOMA, HEART ANOMALY, CHOANAL ATRESIA, RETARDATION, GENITAL AND EAR ANOMALIES; Coloboma, heart anomaly, choanal atresia, retardation, genital and ear anomalies; CHARGE association; Hall-Hittner syndrome. Identifiers: Orphanet 138, MedGen C0265354, MONDO:0008965.

Submissions (2):

Labcorp Genetics (formerly Invitae), Labcorp
Classification: Uncertain significance for CHARGE syndrome. Last evaluated: 2024-05-11. Review status: criteria provided, single submitter. Criteria: Invitae Variant Classification Sherloc (09022015). Collection method: clinical testing. Allele origin: germline.
Comment: This variant, c.507_515dup, results in the insertion of 3 amino acid(s) of the CHD7 protein (p.Pro170_Pro172dup), but otherwise preserves the integrity of the reading frame. This variant is not present in population databases (gnomAD no frequency). This variant has not been reported in the literature in individuals affected with CHD7-related conditions. ClinVar contains an entry for this variant (Variation ID: 2440001). In summary, the available evidence is currently insufficient to determine the role of this variant in disease. Therefore, it has been classified as a Variant of Uncertain Significance.

Revvity Omics, Revvity
Classification: Uncertain significance. Last evaluated: 2020-12-08. Review status: criteria provided, single submitter. Criteria: ACMG Guidelines, 2015. Collection method: clinical testing. Allele origin: germline.

NM_017780.4(CHD7):c.507_515dup (p.Pro172_Ala173insProGlnPro)

Gene: CHD7 (chromodomain helicase DNA binding protein 7; plus strand). Cytogenetic location: 8q12.2.
Variant type: Duplication.
Coding change: c.507_515dup on transcript NM_017780.4 (MANE Select); coding-DNA positions 507 to 515, 9 bases duplicated (ACCGCAGCC; older notation c.507_515dupACCGCAGCC).
Protein change: p.Pro172_Ala173insProGlnPro.
Molecular consequence: inframe insertion.
Genome position (GRCh38, 1-based): chr8:60,741,939-60,741,947, ACCGCAGCC duplicated; duplicating any 9 consecutive bases within chr8:60,741,931-60,741,947 gives the same sequence; the c. name uses the placement nearest the transcript's 3' end. VCF-style (leftmost placement, unchanged base first): chr8-60741930-G-GCCGCAGCCA. GRCh37 (hg19) VCF-style: chr8-61654489-G-GCCGCAGCCA.
Other names: c.507_515dup, p.Pro172_Ala173insProGlnPro (NM_001316690.1).
Identifiers: ClinVar variation 2440001 (VCV002440001.5), dbSNP rs2487264663, ClinGen allele CA2580078450.